The following is an entry in ClinVar:

ClinVar aggregate classification (germline): Benign/Likely benign. Review status: criteria provided, multiple submitters, no conflicts (2 of 4 stars). 2 submissions from 2 submitters: Benign (1); Likely benign (1). Last evaluated 2026-04-01.

Allele frequency attached by ClinVar (database versions not stated): gnomAD exomes 0.00148; ExAC 0.00183; 1000 Genomes Project 30x 0.00203; 1000 Genomes Project 0.00260.
gnomAD v4.1: 993 of 1,607,670 alleles (0.062%); highest among the groups gnomAD compares: South Asian, 1%; 11 homozygotes.

Submissions (2):

CeGaT Center for Human Genetics Tuebingen
Classification: Likely benign. Last evaluated: 2026-04-01. Review status: criteria provided, single submitter. Criteria: CeGaT Center For Human Genetics Tuebingen Variant Classification Criteria Version 2. Collection method: clinical testing. Allele origin: germline. Affected: yes. Observed: 2 variant alleles.
Comment: ARHGEF1: BP4, BS1

Labcorp Genetics (formerly Invitae), Labcorp
Classification: Benign. Last evaluated: 2026-01-25. Review status: criteria provided, single submitter. Criteria: Invitae Variant Classification Sherloc (09022015). Collection method: clinical testing. Allele origin: germline.

NM_004706.4(ARHGEF1):c.-20+1192C>A

Gene: ARHGEF1 (Rho guanine nucleotide exchange factor 1; plus strand). Cytogenetic location: 19q13.2.
Variant type: single nucleotide variant.
Coding change: c.-20+1192C>A on transcript NM_004706.4 (MANE Select); 1192 bases into the intron after 20 bases upstream of the start codon, C replaced by A.
Molecular consequence: intron variant. On other transcripts: missense variant (1).
Genome position (GRCh38, 1-based): chr19:41,884,481, C>A. VCF-style: chr19-41884481-C-A. GRCh37 (hg19) VCF-style: chr19-42388548-C-A.
Other names: c.14C>A, p.Ser5Tyr (NM_199002.2); c.-20+1192C>A (NM_198977.2); short protein forms S5Y.
Identifiers: ClinVar variation 1169555 (VCV001169555.31), dbSNP rs555585297, ClinGen allele CA9465716.